The following is an entry in ClinVar:

ClinVar aggregate classification (germline): Benign. Review status: criteria provided, multiple submitters, no conflicts (2 of 4 stars). 2 submissions from 2 submitters: Benign (2). Last evaluated 2021-06-15.

Conditions:
Usher syndrome type 3A (USH3A). Also called: USHER SYNDROME, TYPE IIIA. Identifiers: MedGen C5779850, MONDO:0010170, OMIM 276902.

Allele frequency attached by ClinVar (database versions not stated): gnomAD 0.79708 and 0.80744; TOPMed 0.79866; 1000 Genomes Project 30x 0.80981; gnomAD exomes 0.90868; 1000 Genomes Project 0.81989.
gnomAD v4.1: 1,304,239 of 1,452,864 alleles (90%); highest among the groups gnomAD compares: East Asian, 100%; 590,818 homozygotes.

Submissions (2):

Pars Genome Lab
Classification: Benign for Usher syndrome type 3A. Last evaluated: 2021-06-15. Review status: criteria provided, single submitter. Criteria: ACMG Guidelines, 2015. Collection method: clinical testing. Allele origin: germline. Affected: no.

GeneDx
Classification: Benign. Last evaluated: 2018-06-14. Review status: criteria provided, single submitter. Criteria: GeneDx Variant Classification (06012015). Collection method: clinical testing. Allele origin: germline. Affected: yes.
Comment: This variant is considered likely benign or benign based on one or more of the following criteria: it is a conservative change, it occurs at a poorly conserved position in the protein, it is predicted to be benign by multiple in silico algorithms, and/or has population frequency not consistent with disease.

NM_174878.3(CLRN1):c.254-1924T>A

Gene: CLRN1 (clarin 1; minus strand). Cytogenetic location: 3q25.1.
Variant type: single nucleotide variant.
Coding change: c.254-1924T>A on transcript NM_174878.3 (MANE Select); 1924 bases into the intron before coding-DNA position 254, T replaced by A.
Molecular consequence: intron variant.
Genome position (GRCh38, 1-based): chr3:150,943,685, A>T on the plus strand (T>A on the coding strand, the complement: CLRN1 is on the minus strand). VCF-style: chr3-150943685-A-T. GRCh37 (hg19) VCF-style: chr3-150661472-A-T.
Other names: c.25+135T>A (NM_052995.2); c.254-1924T>A (NM_001195794.1); c.425+135T>A (NM_001256819.2).
Identifiers: ClinVar variation 678775 (VCV000678775.3), dbSNP rs6764540, ClinGen allele CA11382731.
Genomic context (GRCh38, chr3:150,943,685, plus strand): 5'-TTCAGGATGCACAAATTGTGGGTACCCAAAAAGACTGTCACCCTGGCCCTTTGCCCTCAC[A>T]GGCAGAGGGCAGCCACCCTACATGATGAAGCAAAGGGCCCACTGAGCTGACAACACACTG-3'